The following is an entry in ClinVar:

ClinVar aggregate classification (germline): Uncertain significance (1 of 4 stars; one submission).

Conditions:
PPARG-related disorder. Also called: PPARG-related disorders; PPARG-related condition.

Submission:

PreventionGenetics, part of Exact Sciences
Classification: Uncertain significance for PPARG-related condition. Last evaluated: 2026-03-25. Review status: criteria provided, single submitter. Criteria: ACMG Guidelines, 2015. Collection method: clinical testing. Allele origin: germline.
Comment: The PPARG c.403A>G variant is predicted to result in the amino acid substitution p.Met135Val. To our knowledge, this variant has not been reported in the literature or in a large population database (gnomAD), indicating this variant is rare. At this time, the clinical significance of this variant is uncertain due to the absence of conclusive functional and genetic evidence.

NM_138711.6(PPARG):c.313A>G (p.Met105Val)

Gene: PPARG (peroxisome proliferator activated receptor gamma; plus strand). Cytogenetic location: 3p25.2.
Variant type: single nucleotide variant.
Coding change: c.313A>G on transcript NM_138711.6 (MANE Select); coding-DNA position 313, A replaced by G.
Protein change: p.Met105Val; replaces methionine 105 with valine.
Molecular consequence: missense variant. On other transcripts: 5 prime UTR variant (1).
Genome position (GRCh38, 1-based): chr3:12,381,414, A>G. VCF-style: chr3-12381414-A-G. GRCh37 (hg19) VCF-style: chr3-12422913-A-G.
Other names: c.313A>G, p.Met105Val (NM_001330615.4, NM_001354666.3, NM_001354667.3 and 6 more transcripts); c.403A>G, p.Met135Val (NM_001354668.2, NM_001374265.1, NM_015869.5); c.-115A>G (NM_001354669.2); c.319A>G, p.Met107Val (NM_001354670.2, NM_001374266.1); short protein forms M105V, M107V, M135V.
Identifiers: ClinVar variation 3350867 (VCV003350867.2).